The following is an entry in ClinVar:

NM_003051.4(SLC16A1):c.*1876G>C

Gene: SLC16A1 (solute carrier family 16 member 1; minus strand). Cytogenetic location: 1p13.2.
Variant type: single nucleotide variant.
Coding change: c.*1876G>C on transcript NM_003051.4 (MANE Select); 1876 bases downstream of the stop codon, G replaced by C.
Molecular consequence: 3 prime UTR variant.
Genome position (GRCh38, 1-based): chr1:112,912,015, C>G on the plus strand (G>C on the coding strand, the complement: SLC16A1 is on the minus strand). VCF-style: chr1-112912015-C-G. GRCh37 (hg19) VCF-style: chr1-113454637-C-G.
Other names: c.*1876G>C (NM_001166496.2).
Identifiers: ClinVar variation 291828 (VCV000291828.5), dbSNP rs11811205, ClinGen allele CA10607467.

ClinVar aggregate classification (germline): Likely benign (1 of 4 stars; one submission).

Conditions:
Exercise-induced hyperinsulinism (HHF7). Identifiers: Orphanet 165991, MedGen C1864902, MONDO:0012396, OMIM 610021.

Allele frequency attached by ClinVar (database versions not stated): gnomAD 0.01140 and 0.01235; 1000 Genomes Project 0.01198; 1000 Genomes Project 30x 0.01280; TOPMed 0.01281.

Submission:

Illumina Laboratory Services, Illumina
Classification: Likely benign for Exercise-induced hyperinsulinism. Last evaluated: 2018-01-13. Review status: criteria provided, single submitter. Criteria: ICSL Variant Classification Criteria 13 December 2019. Collection method: clinical testing. Allele origin: germline.
Comment: This variant was observed in the ICSL laboratory as part of a predisposition screen in an ostensibly healthy population. It had not been previously curated by ICSL or reported in the Human Gene Mutation Database (HGMD: prior to June 1st, 2018), and was therefore a candidate for classification through an automated scoring system. Utilizing variant allele frequency, disease prevalence and penetrance estimates, and inheritance mode, an automated score was calculated to assess if this variant is too frequent to cause the disease. Based on the score and internal cut-off values, a variant classified as likely benign is not then subjected to further curation. The score for this variant resulted in a classification of likely benign for this disease.